The following is an entry in ClinVar:

NM_000431.4(MVK):c.961G>A (p.Val321Met)

Gene: MVK (mevalonate kinase; plus strand). Cytogenetic location: 12q24.11.
Variant type: single nucleotide variant.
Coding change: c.961G>A on transcript NM_000431.4 (MANE Select); coding-DNA position 961, G replaced by A.
Protein change: p.Val321Met; replaces valine 321 with methionine.
Molecular consequence: missense variant.
Genome position (GRCh38, 1-based): chr12:109,595,103, G>A. VCF-style: chr12-109595103-G-A. GRCh37 (hg19) VCF-style: chr12-110032908-G-A.
Other names: c.961G>A, p.Val321Met (NM_001114185.3); c.805G>A, p.Val269Met (NM_001301182.2); short protein forms V321M, V269M.
Identifiers: ClinVar variation 654807 (VCV000654807.8), dbSNP rs779869991, ClinGen allele CA6779424.
Genomic context (GRCh38, chr12:109,595,103, plus strand): 5'-AACCAGCACCATCTGAATGCCCTCGGCGTGGGCCACGCCTCTCTGGACCAGCTCTGCCAG[G>A]TGACCAGGGCCCGCGGACTTCACAGCAAGCTGACTGGCGCAGGCGGTGGTGGCTGTGGCA-3'
Protein context (NP_000422.1, residues 311-331): GHASLDQLCQ[Val321Met]TRARGLHSKL

ClinVar aggregate classification (germline): Uncertain significance (1 of 4 stars; one submission).

Conditions:
Porokeratosis 3, disseminated superficial actinic type (POROK3). Also called: POROKERATOSIS 3, MULTIPLE TYPES; POROKERATOSIS 3, MIBELLI TYPE; POROKERATOSIS, DISSEMINATED SUPERFICIAL ACTINIC, 1. Identifiers: MedGen C1867981, MONDO:0008293, OMIM 175900.
Hyperimmunoglobulin D with periodic fever (HIDS). Also called: Hyperimmunoglobulinemia D with periodic fever; Hyperimmunoglobulinemia D; HYPERIMMUNOGLOBULINEMIA D AND PERIODIC FEVER SYNDROME. Identifiers: Orphanet 343, MedGen C0398691, MONDO:0009849, OMIM 260920.
Mevalonic aciduria (MEVA). Identifiers: Orphanet 29, MedGen C1959626, MONDO:0012481, OMIM 610377.

Allele frequency attached by ClinVar (database versions not stated): gnomAD 0.00001; gnomAD exomes below 0.00001; TOPMed below 0.00001; ExAC 0.00001.
gnomAD v4.1: 6 of 1,614,076 alleles (0.00037%); highest among the groups gnomAD compares: African/African-American, 0.0013%; no homozygotes.

Submission:

Labcorp Genetics (formerly Invitae), Labcorp
Classification: Uncertain significance for Mevalonic aciduria; Hyperimmunoglobulin D with periodic fever; Porokeratosis 3, disseminated superficial actinic type. Last evaluated: 2018-11-28. Review status: criteria provided, single submitter. Criteria: Invitae Variant Classification Sherloc (09022015). Collection method: clinical testing. Allele origin: germline.
Comment: Algorithms developed to predict the effect of missense changes on protein structure and function output the following: SIFT: "Deleterious"; PolyPhen-2: "Benign"; Align-GVGD: "Class C0". The methionine amino acid residue is found in multiple mammalian species, suggesting that this missense change does not adversely affect protein function. These predictions have not been confirmed by published functional studies and their clinical significance is uncertain. In summary, the available evidence is currently insufficient to determine the role of this variant in disease. Therefore, it has been classified as a Variant of Uncertain Significance. This variant has not been reported in the literature in individuals with MVK-related conditions. This variant is present in population databases (rs779869991, ExAC 0.01%). This sequence change replaces valine with methionine at codon 321 of the MVK protein (p.Val321Met). The valine residue is weakly conserved and there is a small physicochemical difference between valine and methionine.